The following is an entry in ClinVar:

ClinVar aggregate classification (germline): Pathogenic. Review status: criteria provided, multiple submitters, no conflicts (2 of 4 stars). 4 submissions from 4 submitters: Pathogenic (3). 1 of the submissions does not count toward it. Last evaluated 2025-09-29.

Conditions:
Retinitis pigmentosa (RP). Identifiers: Orphanet 791, MedGen C0035334, MeSH D012174, MONDO:0019200, OMIM 268000. Inheritance: Autosomal dominant, autosomal recessive and X linked inheritance.
Retinitis pigmentosa 25 (RP25). Identifiers: Orphanet 791, MedGen C1864446, MONDO:0011272, OMIM 602772.

gnomAD v4.1: 2 of 1,609,544 alleles (0.00012%); highest among the groups gnomAD compares: East Asian, 0.0045%; no homozygotes.

Submissions (4):

Natera, Inc.
Classification: Pathogenic for Retinitis pigmentosa type 25. Last evaluated: 2025-09-29. Review status: criteria provided, single submitter. Criteria: Natera Variant Classification Schema (03/2026). Collection method: clinical testing. Allele origin: germline.
Comment: The c.1750G>T variant in EYS is a nonsense variant predicted to introduce a stop codon at amino acid 584. This variant is expected to result in nonsense mediated decay, truncation, or a dysfunctional protein product. This variant is rare in the general population with a frequency below the threshold expected for the associated phenotype(s). This variant has been observed in one or more individuals affected with the associated recessive disease, as either homozygous or compound heterozygous with a second variant (PMID: 26155838). Given the available evidence, this variant is classified as Pathogenic.

GeneDx
Classification: Pathogenic. Last evaluated: 2024-12-30. Review status: criteria provided, single submitter. Criteria: GeneDx Variant Classification Process June 2021. Collection method: clinical testing. Allele origin: germline. Affected: yes.
Comment: Nonsense variant predicted to result in protein truncation or nonsense mediated decay in a gene for which loss of function is a known mechanism of disease; Not observed at significant frequency in large population cohorts (gnomAD); This variant is associated with the following publications: (PMID: 28763560, 31054281, 31814702, 36729443, 33058741, 25324289, 34178978, 26155838, 33090715)

Labcorp Genetics (formerly Invitae), Labcorp
Classification: Pathogenic. Last evaluated: 2024-10-16. Review status: criteria provided, single submitter. Criteria: Invitae Variant Classification Sherloc (09022015). Collection method: clinical testing. Allele origin: germline.
Comment: This sequence change creates a premature translational stop signal (p.Glu584*) in the EYS gene. It is expected to result in an absent or disrupted protein product. Loss-of-function variants in EYS are known to be pathogenic (PMID: 18836446, 20333770). This variant is not present in population databases (gnomAD no frequency). This premature translational stop signal has been observed in individuals with retinitis pigmentosa (PMID: 26155838, 28763560). ClinVar contains an entry for this variant (Variation ID: 143101). For these reasons, this variant has been classified as Pathogenic.

Department of Ophthalmology and Visual Sciences Kyoto University
Classification: Likely pathogenic for Retinitis pigmentosa. Review status: no assertion criteria provided. Collection method: not provided. Allele origin: unknown. Not counted in ClinVar's aggregate classification.
ClinVar note: Converted during submission from probable-pathogenic to Likely pathogenic.

Literature cited by the submitters: PubMed 26155838 (cited by Natera, Inc. and Labcorp Genetics (formerly Invitae), Labcorp); PubMed 18836446 (cited by Labcorp Genetics (formerly Invitae), Labcorp); PubMed 20333770 (cited by Labcorp Genetics (formerly Invitae), Labcorp); PubMed 28763560 (cited by Labcorp Genetics (formerly Invitae), Labcorp).

NM_001142800.2(EYS):c.1750G>T (p.Glu584Ter)

Gene: EYS (EGF-like photoreceptor maintenance factor; minus strand). Cytogenetic location: 6q12.
Variant type: single nucleotide variant.
Coding change: c.1750G>T on transcript NM_001142800.2 (MANE Select); coding-DNA position 1750, G replaced by T.
Protein change: p.Glu584Ter; replaces glutamic acid 584 with a stop codon.
Molecular consequence: nonsense.
Genome position (GRCh38, 1-based): chr6:65,334,996, C>A on the plus strand (G>T on the coding strand, the complement: EYS is on the minus strand). VCF-style: chr6-65334996-C-A. GRCh37 (hg19) VCF-style: chr6-66044889-C-A.
Other names: c.1750G>T, p.Glu584Ter (NM_001142801.2, NM_001292009.2, NM_198283.2); short protein forms E584*.
Identifiers: ClinVar variation 143101 (VCV000143101.12), dbSNP rs527236072, ClinGen allele CA270051.
Genomic context (GRCh38, chr6:65,334,996, plus strand): 5'-CTTTTTGATATGTGATATTATCTGCTCAAATGATACATAAATACCTGGGTCTATTAATTT[C>A]ATCTTTACAAACAGCTTCATGTTGACACTCATTTTCTTGATCATCAGTTGTATTTTCCAG-3'